The following is an entry in ClinVar:

ClinVar aggregate classification (germline): Uncertain significance. Review status: criteria provided, multiple submitters, no conflicts (2 of 4 stars). 2 submissions from 2 submitters: Uncertain significance (2). Last evaluated 2024-02-26.

Conditions:
NOD2-related disorder. Also called: NOD2-related condition.
Blau syndrome (BLAUS). Also called: ARTHROCUTANEOUVEAL GRANULOMATOSIS; GRANULOMATOSIS, FAMILIAL JUVENILE SYSTEMIC; GRANULOMATOSIS, FAMILIAL, BLAU TYPE; GRANULOMATOUS INFLAMMATORY ARTHRITIS, DERMATITIS, AND UVEITIS, FAMILIAL; JABS SYNDROME. Identifiers: Orphanet 90340, MedGen C5201146, MONDO:0008523, OMIM 186580.
Regional enteritis. Also called: Enteritis, Granulomatous. Identifiers: MedGen C0678202, MeSH D003424.

Allele frequency attached by ClinVar (database versions not stated): TOPMed below 0.00001.

Submissions (2):

Labcorp Genetics (formerly Invitae), Labcorp
Classification: Uncertain significance for Regional enteritis; Blau syndrome. Last evaluated: 2024-02-26. Review status: criteria provided, single submitter. Criteria: Invitae Variant Classification Sherloc (09022015). Collection method: clinical testing. Allele origin: germline.
Comment: This sequence change replaces threonine, which is neutral and polar, with proline, which is neutral and non-polar, at codon 856 of the NOD2 protein (p.Thr856Pro). This variant is not present in population databases (gnomAD no frequency). This variant has not been reported in the literature in individuals affected with NOD2-related conditions. ClinVar contains an entry for this variant (Variation ID: 2014682). Advanced modeling of protein sequence and biophysical properties (such as structural, functional, and spatial information, amino acid conservation, physicochemical variation, residue mobility, and thermodynamic stability) performed at Invitae indicates that this missense variant is not expected to disrupt NOD2 protein function with a negative predictive value of 95%. In summary, the available evidence is currently insufficient to determine the role of this variant in disease. Therefore, it has been classified as a Variant of Uncertain Significance.

PreventionGenetics, part of Exact Sciences
Classification: Uncertain significance for NOD2-related condition. Last evaluated: 2023-03-01. Review status: criteria provided, single submitter. Criteria: ACMG Guidelines, 2015. Collection method: clinical testing. Allele origin: germline.
Comment: The NOD2 c.2566A>C variant is predicted to result in the amino acid substitution p.Thr856Pro. To our knowledge, this variant has not been reported in the literature or in a large population database, indicating this variant is rare. At this time, the clinical significance of this variant is uncertain due to the absence of conclusive functional and genetic evidence.

NM_001370466.1(NOD2):c.2485A>C (p.Thr829Pro)

Gene: NOD2 (nucleotide binding oligomerization domain containing 2; plus strand). Cytogenetic location: 16q12.1.
Variant type: single nucleotide variant.
Coding change: c.2485A>C on transcript NM_001370466.1 (MANE Select); coding-DNA position 2485, A replaced by C.
Protein change: p.Thr829Pro; replaces threonine 829 with proline.
Molecular consequence: missense variant. On other transcripts: non-coding transcript variant (1).
Genome position (GRCh38, 1-based): chr16:50,716,910, A>C. VCF-style: chr16-50716910-A-C. GRCh37 (hg19) VCF-style: chr16-50750821-A-C.
Other names: c.2485A>C, p.Thr829Pro (NM_001293557.2); c.2566A>C, p.Thr856Pro (NM_022162.3); c.2566A>C (NM_022162.2); short protein forms T856P, T829P.
Identifiers: ClinVar variation 2014682 (VCV002014682.5), dbSNP rs1964825969, ClinGen allele CA395873806.